The following is an entry in ClinVar:

NM_000239.3(LYZ):c.176G>A (p.Arg59Gln)

Gene: LYZ (lysozyme; plus strand). Cytogenetic location: 12q15.
Variant type: single nucleotide variant.
Coding change: c.176G>A on transcript NM_000239.3 (MANE Select); coding-DNA position 176, G replaced by A.
Protein change: p.Arg59Gln; replaces arginine 59 with glutamine.
Molecular consequence: missense variant.
Genome position (GRCh38, 1-based): chr12:69,350,147, G>A. VCF-style: chr12-69350147-G-A. GRCh37 (hg19) VCF-style: chr12-69743927-G-A.
Other names: short protein forms R59Q.
Identifiers: ClinVar variation 3575252 (VCV003575252.2).
Genomic context (GRCh38, chr12:69,350,147, plus strand): 5'-CTAAAAATAAGTTCTTTTCAGGGATGTGTTTGGCCAAATGGGAGAGTGGTTACAACACAC[G>A]AGCTACAAACTACAATGCTGGAGACAGAAGCACTGATTATGGGATATTTCAGATCAATAG-3'
Protein context (NP_000230.1, residues 49-69): LAKWESGYNT[Arg59Gln]ATNYNAGDRS

ClinVar aggregate classification (germline): Uncertain significance. Review status: criteria provided, multiple submitters, no conflicts (2 of 4 stars). 2 submissions from 2 submitters: Uncertain significance (2). Last evaluated 2025-02-15.

Conditions:
Amyloidosis, hereditary systemic 5. Identifiers: MedGen C5935572, MONDO:0971009, OMIM 620658.

gnomAD v4.1: 33 of 1,614,068 alleles (0.002%); highest among the groups gnomAD compares: African/African-American, 0.019%; no homozygotes.

Submissions (2):

Labcorp Genetics (formerly Invitae), Labcorp
Classification: Uncertain significance. Last evaluated: 2025-02-15. Review status: criteria provided, single submitter. Criteria: Invitae Variant Classification Sherloc (09022015). Collection method: clinical testing. Allele origin: germline.
Comment: This sequence change replaces arginine, which is basic and polar, with glutamine, which is neutral and polar, at codon 59 of the LYZ protein (p.Arg59Gln). This variant is present in population databases (rs200770300, gnomAD 0.02%). This variant has not been reported in the literature in individuals affected with LYZ-related conditions. ClinVar contains an entry for this variant (Variation ID: 3575252). An algorithm developed to predict the effect of missense changes on protein structure and function outputs the following: PolyPhen-2: "Benign". The glutamine amino acid residue is found in multiple mammalian species, which suggests that this missense change does not adversely affect protein function. In summary, the available evidence is currently insufficient to determine the role of this variant in disease. Therefore, it has been classified as a Variant of Uncertain Significance.

Fulgent Genetics
Classification: Uncertain significance for Amyloidosis, hereditary systemic 5. Last evaluated: 2024-06-10. Review status: criteria provided, single submitter. Criteria: ACMG Guidelines, 2015. Collection method: clinical testing. Allele origin: germline.